The following is an entry in ClinVar:

ClinVar aggregate classification (germline): Uncertain significance. Review status: criteria provided, multiple submitters, no conflicts (2 of 4 stars). 2 submissions from 2 submitters: Uncertain significance (2). Last evaluated 2024-10-09.

Submissions (2):

Blueprint Genetics
Classification: Uncertain significance. Last evaluated: 2024-10-09. Review status: criteria provided, single submitter. Criteria: ACMG Guidelines, 2015. Collection method: clinical testing. Allele origin: germline.

Labcorp Genetics (formerly Invitae), Labcorp
Classification: Uncertain significance. Last evaluated: 2024-09-12. Review status: criteria provided, single submitter. Criteria: Invitae Variant Classification Sherloc (09022015). Collection method: clinical testing. Allele origin: germline.
Comment: This variant, c.9348_9350dup, results in the insertion of 1 amino acid(s) of the SZT2 protein (p.Ala3117dup), but otherwise preserves the integrity of the reading frame. This variant is present in population databases (rs747931944, gnomAD 0.02%). This variant has not been reported in the literature in individuals affected with SZT2-related conditions. Experimental studies and prediction algorithms are not available or were not evaluated, and the functional significance of this variant is currently unknown. In summary, the available evidence is currently insufficient to determine the role of this variant in disease. Therefore, it has been classified as a Variant of Uncertain Significance.

NM_001365999.1(SZT2):c.9516TGC[3] (p.Ala3174dup)

Genes: SZT2 (SZT2 subunit of KICSTOR complex; plus strand), SZT2-AS1 (SZT2 antisense RNA 1; minus strand). Cytogenetic location: 1p34.2.
Variant type: Microsatellite.
Coding change: c.9516TGC[3] on transcript NM_001365999.1 (MANE Select); three copies in a row of the 3-base unit TGC starting at c.9516; the reference has two copies in a row; one copy, 3 bases duplicated.
Protein change: p.Ala3174dup; duplicates alanine 3174.
Molecular consequence: inframe insertion. On other transcripts: non-coding transcript variant (1).
Genome position (GRCh38, 1-based): chr1:43,447,927-43,447,929, TGC duplicated; duplicating any 3 consecutive bases within chr1:43,447,924-43,447,929 gives the same sequence; the position shown is the placement nearest the transcript's 3' end. VCF-style (leftmost placement, unchanged base first): chr1-43447923-G-GTGC. GRCh37 (hg19) VCF-style: chr1-43913594-G-GTGC.
Other names: c.9345TGC[3], p.Ala3117dup (NM_015284.4).
Identifiers: ClinVar variation 1058337 (VCV001058337.8), dbSNP rs747931944, ClinGen allele CA810935.